The following is an entry in ClinVar:

ClinVar aggregate classification (germline): Uncertain significance. Review status: criteria provided, multiple submitters, no conflicts (2 of 4 stars). 2 submissions from 2 submitters: Uncertain significance (2). Last evaluated 2024-10-30.

Conditions:
Cerebral folate transport deficiency. Also called: FOLR1-Related Cerebral Folate Transport Deficiency; Cerebral folate deficiency syndrome; Neurodegenerative syndrome due to cerebral folate transport deficiency; NEURODEGENERATION DUE TO CEREBRAL FOLATE TRANSPORT DEFICIENCY; FOLATE RECEPTOR DEFICIENCY. Identifiers: Orphanet 217382, MedGen C2751584, MONDO:0013110, OMIM 613068. Disease mechanism: loss of function.

Allele frequency attached by ClinVar (database versions not stated): gnomAD exomes 0.00001; TOPMed 0.00001.
gnomAD v4.1: 9 of 1,614,218 alleles (0.00056%); highest among the groups gnomAD compares: African/African-American, 0.0013%; no homozygotes.

Submissions (2):

Labcorp Genetics (formerly Invitae), Labcorp
Classification: Uncertain significance for Cerebral folate transport deficiency. Last evaluated: 2024-10-30. Review status: criteria provided, single submitter. Criteria: Invitae Variant Classification Sherloc (09022015). Collection method: clinical testing. Allele origin: germline.
Comment: This sequence change replaces arginine, which is basic and polar, with glutamine, which is neutral and polar, at codon 128 of the FOLR1 protein (p.Arg128Gln). This variant is not present in population databases (gnomAD no frequency). This missense change has been observed in individual(s) with clinical features of cerebral folate deficiency (PMID: 28054128). ClinVar contains an entry for this variant (Variation ID: 849264). Invitae Evidence Modeling of protein sequence and biophysical properties (such as structural, functional, and spatial information, amino acid conservation, physicochemical variation, residue mobility, and thermodynamic stability) indicates that this missense variant is not expected to disrupt FOLR1 protein function with a negative predictive value of 80%. In summary, the available evidence is currently insufficient to determine the role of this variant in disease. Therefore, it has been classified as a Variant of Uncertain Significance.

Blueprint Genetics
Classification: Uncertain significance. Last evaluated: 2020-03-16. Review status: criteria provided, single submitter. Criteria: ACMG Guidelines, 2015. Collection method: clinical testing. Allele origin: germline.

Literature cited by the submitters: PubMed 28054128 (cited by Labcorp Genetics (formerly Invitae), Labcorp).

NM_016729.3(FOLR1):c.383G>A (p.Arg128Gln)

Genes: FOLR1 (folate receptor alpha; plus strand), FOLR1-AS1 (FOLR1 antisense RNA 1; minus strand). Cytogenetic location: 11q13.4.
Variant type: single nucleotide variant.
Coding change: c.383G>A on transcript NM_016729.3 (MANE Select); coding-DNA position 383, G replaced by A.
Protein change: p.Arg128Gln; replaces arginine 128 with glutamine.
Molecular consequence: missense variant.
Genome position (GRCh38, 1-based): chr11:72,195,637, G>A. VCF-style: chr11-72195637-G-A. GRCh37 (hg19) VCF-style: chr11-71906681-G-A.
Other names: c.383G>A, p.Arg128Gln (NM_000802.3, NM_016724.3, NM_016725.3); short protein forms R128Q.
Identifiers: ClinVar variation 849264 (VCV000849264.8), dbSNP rs996350831, ClinGen allele CA224404995.